The following is an entry in ClinVar:

ClinVar aggregate classification (germline): Pathogenic. Review status: criteria provided, multiple submitters, no conflicts (2 of 4 stars). 8 submissions from 7 submitters: Pathogenic (4). 4 of the submissions do not count toward it. Last evaluated 2022-12-14.

Conditions:
Immunodeficiency 33 (IMD33). Also called: Immunodeficiency without anhidrotic ectodermal dysplasia; X-linked mendelian susceptibility to mycobacterial diseases due to IKBKG deficiency. Identifiers: Orphanet 319605, Orphanet 319612, MedGen C1970879, MONDO:0010386, OMIM 300636.
Incontinentia pigmenti syndrome (IP). Also called: BLOCH-SULZBERGER SYNDROME; Incontinentia Pigmenti; INCONTINENTIA PIGMENTI, TYPE II; INCONTINENTIA PIGMENTI, FAMILIAL MALE-LETHAL TYPE. Identifiers: Orphanet 464, MedGen C0021171, MONDO:0010631, OMIM 308300.
Ectodermal dysplasia and immunodeficiency 1 (EDAID1). Also called: ECTODERMAL DYSPLASIA, ANHIDROTIC, WITH IMMUNE DEFICIENCY; Hyper-IgM immunodeficiency, X-linked, with hypohidrotic ectodermal dysplasia; ECTODERMAL DYSPLASIA AND IMMUNE DEFICIENCY 1. Identifiers: Orphanet 238468, Orphanet 98813, MedGen C1846008, MONDO:0020740, OMIM 300291.

Submissions (8):

GeneDx
Classification: Pathogenic. Last evaluated: 2022-12-14. Review status: criteria provided, single submitter. Criteria: GeneDx Variant Classification Process June 2021. Collection method: clinical testing. Allele origin: germline. Affected: yes.
Comment: Published functional studies demonstrate a damaging effect on protein function (Ohnishi et al., 2017; Kawai et al., 2012); Frameshift variant in the C-terminus predicted to result in protein truncation, as the last 30 amino acids are lost and replaced with 4 incorrect amino acids; truncated region removes a portion of the zinc finger domain (HGMD); Not observed in large population cohorts (gnomAD); This variant is associated with the following publications: (PMID: 22517901, 18350553, 11484156, 18347290, 30982207, 31713830, 32035679, 34061330, 11047757, 27577878, 18222329, 11179023, 28702714)

Fulgent Genetics
Classification: Pathogenic for Ectodermal dysplasia and immunodeficiency 1; Immunodeficiency 33; Incontinentia pigmenti syndrome. Last evaluated: 2021-10-27. Review status: criteria provided, single submitter. Criteria: ACMG Guidelines, 2015. Collection method: clinical testing. Allele origin: unknown.

Department of Medical Genetics, College of Basic Medicine, Army Medical University
Classification: Pathogenic for Incontinentia pigmenti syndrome. Review status: criteria provided, single submitter. Criteria: ACMG Guidelines, 2015. Collection method: research. Allele origin: de novo. Affected: yes.

Juno Genomics, Hangzhou Juno Genomics, Inc
Classification: Pathogenic for Incontinentia pigmenti syndrome. Review status: criteria provided, single submitter. Criteria: ACMG Guidelines, 2015. Collection method: clinical testing. Allele origin: germline. Affected: yes.
Comment: Absent from controls (or at extremely low frequency if recessive) in Genome Aggregation Database.;Null variant in a gene where loss of function (LOF) is a known mechanism of disease.;The prevalence of the variant in affected individuals is significantly increased compared to the prevalence in controls.;Co-segregation with disease in multiple affected family members.;Well-established in vitro or in vivo functional studies supportive of a damaging effect on the gene or gene product.

Undiagnosed Diseases Network, NIH
Classification: Pathogenic for Immunodeficiency 33. Last evaluated: 2023-05-10. Review status: no assertion criteria provided. Collection method: clinical testing. Allele origin: maternal. Affected: yes. Observed: 1 variant allele, 1 heterozygote. Study: Undiagnosed Diseases Network (NIH), UDN. Not counted in ClinVar's aggregate classification.

OMIM
Classification: Pathogenic for ECTODERMAL DYSPLASIA AND IMMUNODEFICIENCY 1. Last evaluated: 2001-09-01. Review status: no assertion criteria provided. Collection method: literature only. Allele origin: germline. Not counted in ClinVar's aggregate classification.

OMIM
Classification: Pathogenic for INCONTINENTIA PIGMENTI. Last evaluated: 2001-09-01. Review status: no assertion criteria provided. Collection method: literature only. Allele origin: germline. Not counted in ClinVar's aggregate classification.

GeneReviews
No classification provided. Condition: Incontinentia pigmenti syndrome. Review status: no classification provided. Collection method: literature only. Allele origin: germline. Not counted in ClinVar's aggregate classification.

Literature cited by the submitters: PubMed 11047757 (cited by OMIM); PubMed 11484156 (cited by OMIM); PubMed 8169255 (cited by OMIM); Zonana, J., Ferguson, B. Reply to Kosaki et al. Am. J. Hum. Genet. 69: 665-666, 2001. (cited by OMIM); PubMed 11179023 (cited by OMIM); NCBI Bookshelf NBK1472 (cited by GeneReviews); PubMed 18222329 (cited by GeneReviews).

NM_001099857.5(IKBKG):c.1167dup (p.Glu390fs)

Gene: IKBKG (inhibitor of nuclear factor kappa B kinase regulatory subunit gamma; plus strand). Cytogenetic location: Xq28.
Variant type: Duplication.
Coding change: c.1167dup on transcript NM_001099857.5 (MANE Select); coding-DNA position 1167, one base duplicated (C; older notation c.1167dupC).
Protein change: p.Glu390fs; shifts the reading frame from glutamic acid 390.
Molecular consequence: frameshift variant. On other transcripts: non-coding transcript variant (1).
Genome position (GRCh38, 1-based): chrX:154,564,368, C duplicated; the last of 7 consecutive C bases (chrX:154,564,362-154,564,368); duplicating any one gives the same sequence. VCF-style (leftmost placement, unchanged base first): chrX-154564361-G-GC. GRCh37 (hg19) VCF-style: chrX-153792576-G-GC.
Other names: p.(E390Rfs*5); c.1371dup, p.Glu458fs (NM_001099856.6); c.870dup, p.Glu291fs (NM_001145255.4); c.1167dup, p.Glu390fs (NM_001321396.3, NM_001377312.1, NM_003639.4); c.1164dup, p.Glu389fs (NM_001321397.3, NM_001377313.1); c.1011dup, p.Glu338fs (NM_001377314.1); c.798dup, p.Glu267fs (NM_001377315.1); c.1167dupC (NM_003639.3); and 1 more; short protein forms E390fs, E389fs, E291fs, E458fs, E267fs, E338fs.
Identifiers: ClinVar variation 372387 (VCV000372387.17), dbSNP rs782178147, ClinGen allele CA10566455.